The following is an entry in ClinVar:

ClinVar aggregate classification (germline): Likely pathogenic (1 of 4 stars; one submission).

gnomAD v4.1: 4 of 1,613,494 alleles (0.00025%); highest among the groups gnomAD compares: South Asian, 0.0044%; no homozygotes.

Submission:

Labcorp Genetics (formerly Invitae), Labcorp
Classification: Likely pathogenic. Last evaluated: 2023-04-13. Review status: criteria provided, single submitter. Criteria: Invitae Variant Classification Sherloc (09022015). Collection method: clinical testing. Allele origin: germline.
Comment: This variant has not been reported in the literature in individuals affected with ADAMTSL4-related conditions. In summary, the currently available evidence indicates that the variant is pathogenic, but additional data are needed to prove that conclusively. Therefore, this variant has been classified as Likely Pathogenic. Algorithms developed to predict the effect of sequence changes on RNA splicing suggest that this variant may disrupt the consensus splice site. This variant is present in population databases (rs185480031, gnomAD 0.01%). This sequence change affects an acceptor splice site in intron 14 of the ADAMTSL4 gene. It is expected to disrupt RNA splicing. Variants that disrupt the donor or acceptor splice site typically lead to a loss of protein function (PMID: 16199547), and loss-of-function variants in ADAMTSL4 are known to be pathogenic (PMID: 20564469, 28642162).

Literature cited by the submitters: PubMed 16199547; PubMed 20564469; PubMed 28642162.

NM_019032.6(ADAMTSL4):c.2383-1G>C

Gene: ADAMTSL4 (ADAMTS like 4; plus strand). Cytogenetic location: 1q21.2.
Variant type: single nucleotide variant.
Coding change: c.2383-1G>C on transcript NM_019032.6 (MANE Select); the canonical splice acceptor site of the intron before coding-DNA position 2383, G replaced by C.
Molecular consequence: splice acceptor variant.
Genome position (GRCh38, 1-based): chr1:150,558,472, G>C. VCF-style: chr1-150558472-G-C. GRCh37 (hg19) VCF-style: chr1-150530948-G-C.
Other names: c.2452-1G>C (NM_001288608.2); c.2266-1G>C (NM_001288607.2); c.2383-1G>C (NM_001378596.1, NM_025008.5).
Identifiers: ClinVar variation 2879364 (VCV002879364.3), dbSNP rs185480031, ClinGen allele CA1078653.